The following is an entry in ClinVar:

ClinVar aggregate classification (germline): Uncertain significance (1 of 4 stars; one submission).

Submission:

Labcorp Genetics (formerly Invitae), Labcorp
Classification: Uncertain significance. Last evaluated: 2021-11-22. Review status: criteria provided, single submitter. Criteria: Invitae Variant Classification Sherloc (09022015). Collection method: clinical testing. Allele origin: germline.
Comment: This sequence change replaces glycine, which is neutral and non-polar, with arginine, which is basic and polar, at codon 534 of the ORC1 protein (p.Gly534Arg). This variant is not present in population databases (gnomAD no frequency). This variant has not been reported in the literature in individuals affected with ORC1-related conditions. Algorithms developed to predict the effect of missense changes on protein structure and function (SIFT, PolyPhen-2, Align-GVGD) all suggest that this variant is likely to be disruptive. In summary, the available evidence is currently insufficient to determine the role of this variant in disease. Therefore, it has been classified as a Variant of Uncertain Significance.

NM_004153.4(ORC1):c.1600G>C (p.Gly534Arg)

Gene: ORC1 (origin recognition complex subunit 1; minus strand). Cytogenetic location: 1p32.3.
Variant type: single nucleotide variant.
Coding change: c.1600G>C on transcript NM_004153.4 (MANE Select); coding-DNA position 1600, G replaced by C.
Protein change: p.Gly534Arg; replaces glycine 534 with arginine.
Molecular consequence: missense variant.
Genome position (GRCh38, 1-based): chr1:52,384,705, C>G on the plus strand (G>C on the coding strand, the complement: ORC1 is on the minus strand). VCF-style: chr1-52384705-C-G. GRCh37 (hg19) VCF-style: chr1-52850377-C-G.
Other names: c.1600G>C, p.Gly534Arg (NM_001190818.2); c.1585G>C, p.Gly529Arg (NM_001190819.2); short protein forms G534R, G529R.
Identifiers: ClinVar variation 1505009 (VCV001505009.1), dbSNP rs142990704, ClinGen allele CA340354960.